The following is an entry in ClinVar:

ClinVar aggregate classification (germline): Likely pathogenic. Review status: criteria provided, multiple submitters, no conflicts (2 of 4 stars). 2 submissions from 2 submitters: Likely pathogenic (2). Last evaluated 2023-12-30.

Conditions:
Osteogenesis imperfecta type 8 (OI8). Identifiers: MedGen C1970458, MONDO:0012581, OMIM 610915.

Submissions (2):

Fulgent Genetics
Classification: Likely pathogenic for Osteogenesis imperfecta type 8. Last evaluated: 2023-12-30. Review status: criteria provided, single submitter. Criteria: ACMG Guidelines, 2015. Collection method: clinical testing. Allele origin: germline.

Labcorp Genetics (formerly Invitae), Labcorp
Classification: Likely pathogenic for Osteogenesis imperfecta type 8. Last evaluated: 2022-12-24. Review status: criteria provided, single submitter. Criteria: Invitae Variant Classification Sherloc (09022015). Collection method: clinical testing. Allele origin: germline.
Comment: This sequence change affects an acceptor splice site in intron 9 of the P3H1 gene. It is expected to disrupt RNA splicing. Variants that disrupt the donor or acceptor splice site typically lead to a loss of protein function (PMID: 16199547), and loss-of-function variants in P3H1 are known to be pathogenic (PMID: 17277775, 18566967, 19088120, 22281939). This variant is not present in population databases (gnomAD no frequency). This variant has not been reported in the literature in individuals affected with P3H1-related conditions. Algorithms developed to predict the effect of sequence changes on RNA splicing suggest that this variant may disrupt the consensus splice site. In summary, the currently available evidence indicates that the variant is pathogenic, but additional data are needed to prove that conclusively. Therefore, this variant has been classified as Likely Pathogenic.

Literature cited by the submitters: PubMed 16199547 (cited by Labcorp Genetics (formerly Invitae), Labcorp); PubMed 17277775 (cited by Labcorp Genetics (formerly Invitae), Labcorp); PubMed 18566967 (cited by Labcorp Genetics (formerly Invitae), Labcorp); PubMed 19088120 (cited by Labcorp Genetics (formerly Invitae), Labcorp); PubMed 22281939 (cited by Labcorp Genetics (formerly Invitae), Labcorp).

NM_022356.4(P3H1):c.1474-1G>A

Gene: P3H1 (prolyl 3-hydroxylase 1; minus strand). Cytogenetic location: 1p34.2.
Variant type: single nucleotide variant.
Coding change: c.1474-1G>A on transcript NM_022356.4 (MANE Select); the canonical splice acceptor site of the intron before coding-DNA position 1474, G replaced by A.
Molecular consequence: splice acceptor variant.
Genome position (GRCh38, 1-based): chr1:42,752,370, C>T on the plus strand (G>A on the coding strand, the complement: P3H1 is on the minus strand). VCF-style: chr1-42752370-C-T. GRCh37 (hg19) VCF-style: chr1-43218041-C-T.
Other names: c.1474-1G>A (NM_001146289.2, NM_001243246.2).
Identifiers: ClinVar variation 2823776 (VCV002823776.4), dbSNP rs1652152909, ClinGen allele CA339955835.